The following is an entry in ClinVar:

ClinVar aggregate classification (germline): Benign. Review status: criteria provided, multiple submitters, no conflicts (2 of 4 stars). 2 submissions from 2 submitters: Benign (2). Last evaluated 2026-02-01.

Allele frequency attached by ClinVar (database versions not stated): ESP Exome Variant Server 0.00015; gnomAD exomes 0.00019 and 0.00089; gnomAD 0.00035 and 0.00046; TOPMed 0.00046; ExAC 0.00078; 1000 Genomes Project 30x 0.00234; 1000 Genomes Project 0.00280.
gnomAD v4.1: 376 of 1,614,056 alleles (0.023%); highest among the groups gnomAD compares: East Asian, 0.64%; 6 homozygotes.

Submissions (2):

Labcorp Genetics (formerly Invitae), Labcorp
Classification: Benign. Last evaluated: 2026-02-01. Review status: criteria provided, single submitter. Criteria: Invitae Variant Classification Sherloc (09022015). Collection method: clinical testing. Allele origin: germline.

Mayo Clinic Laboratories, Mayo Clinic
Classification: Benign. Last evaluated: 2025-02-11. Review status: criteria provided, single submitter. Criteria: ACMG Guidelines, 2015. Collection method: clinical testing. Allele origin: germline. Observed: 1 variant allele.
Comment: BA1, BP4, BP7

NM_001001563.5(TIMM50):c.790C>T (p.Leu264=)

Gene: TIMM50 (translocase of inner mitochondrial membrane 50; plus strand). Cytogenetic location: 19q13.2.
Variant type: single nucleotide variant.
Coding change: c.790C>T on transcript NM_001001563.5 (MANE Select); coding-DNA position 790, C replaced by T.
Protein change: p.Leu264=; no amino-acid change (leucine 264 retained).
Molecular consequence: synonymous variant.
Genome position (GRCh38, 1-based): chr19:39,488,154, C>T. VCF-style: chr19-39488154-C-T. GRCh37 (hg19) VCF-style: chr19-39978794-C-T.
Other names: p.Leu264=; c.451C>T, p.Leu151= (NM_001329559.2).
Identifiers: ClinVar variation 1600997 (VCV001600997.9), dbSNP rs187191660, ClinGen allele CA9431963.